The following is an entry in ClinVar:

NM_000346.4(SOX9):c.77T>A (p.Met26Lys)

Genes: SOX9 (SRY-box transcription factor 9; plus strand), LOC108021846 (SOX9 promoter region; plus strand). Cytogenetic location: 17q24.3.
Variant type: single nucleotide variant.
Coding change: c.77T>A on transcript NM_000346.4 (MANE Select); coding-DNA position 77, T replaced by A.
Protein change: p.Met26Lys; replaces methionine 26 with lysine.
Molecular consequence: missense variant.
Genome position (GRCh38, 1-based): chr17:72,121,468, T>A. VCF-style: chr17-72121468-T-A. GRCh37 (hg19) VCF-style: chr17-70117609-T-A.
Other names: short protein forms M26K.
Identifiers: ClinVar variation 2137312 (VCV002137312.4), dbSNP rs1908088001, ClinGen allele CA400865462.

ClinVar aggregate classification (germline): Uncertain significance (1 of 4 stars; one submission).

Conditions:
Camptomelic dysplasia (CMPD). Also called: CMPD1/SRA1; Campomelic Dysplasia. Identifiers: Orphanet 140, MedGen C1861922, MONDO:0007251, OMIM 114290.

Allele frequency attached by ClinVar (database versions not stated): TOPMed below 0.00001.

Submission:

Labcorp Genetics (formerly Invitae), Labcorp
Classification: Uncertain significance for Camptomelic dysplasia. Last evaluated: 2024-12-04. Review status: criteria provided, single submitter. Criteria: Invitae Variant Classification Sherloc (09022015). Collection method: clinical testing. Allele origin: germline.
Comment: This sequence change replaces methionine, which is neutral and non-polar, with lysine, which is basic and polar, at codon 26 of the SOX9 protein (p.Met26Lys). This variant is not present in population databases (gnomAD no frequency). This variant has not been reported in the literature in individuals affected with SOX9-related conditions. ClinVar contains an entry for this variant (Variation ID: 2137312). Invitae Evidence Modeling of protein sequence and biophysical properties (such as structural, functional, and spatial information, amino acid conservation, physicochemical variation, residue mobility, and thermodynamic stability) has been performed for this missense variant. However, the output from this modeling did not meet the statistical confidence thresholds required to predict the impact of this variant on SOX9 protein function. In summary, the available evidence is currently insufficient to determine the role of this variant in disease. Therefore, it has been classified as a Variant of Uncertain Significance.